The following is an entry in ClinVar:

ClinVar aggregate classification (germline): Uncertain significance (1 of 4 stars; one submission).

Allele frequency attached by ClinVar (database versions not stated): gnomAD exomes below 0.00001; gnomAD 0.00001.
gnomAD v4.1: 4 of 1,583,168 alleles (0.00025%); highest among the groups gnomAD compares: South Asian, 0.0047%; no homozygotes.

Submission:

Labcorp Genetics (formerly Invitae), Labcorp
Classification: Uncertain significance. Last evaluated: 2021-12-23. Review status: criteria provided, single submitter. Criteria: Invitae Variant Classification Sherloc (09022015). Collection method: clinical testing. Allele origin: germline.
Comment: This sequence change falls in intron 58 of the VPS13C gene. It does not directly change the encoded amino acid sequence of the VPS13C protein. It affects a nucleotide within the consensus splice site. Variants that disrupt the consensus splice site are a relatively common cause of aberrant splicing (PMID: 17576681, 9536098). Algorithms developed to predict the effect of sequence changes on RNA splicing suggest that this variant is not likely to affect RNA splicing. In summary, the available evidence is currently insufficient to determine the role of this variant in disease. Therefore, it has been classified as a Variant of Uncertain Significance. This variant has not been reported in the literature in individuals affected with VPS13C-related conditions. This variant is not present in population databases (gnomAD no frequency).

Literature cited by the submitters: PubMed 17576681; PubMed 9536098.

NM_020821.3(VPS13C):c.7638+6A>G

Gene: VPS13C (vacuolar protein sorting 13 homolog C; minus strand). Cytogenetic location: 15q22.2.
Variant type: single nucleotide variant.
Coding change: c.7638+6A>G on transcript NM_020821.3 (MANE Select); 6 bases into the intron after coding-DNA position 7638, A replaced by G.
Molecular consequence: intron variant.
Genome position (GRCh38, 1-based): chr15:61,919,283, T>C on the plus strand (A>G on the coding strand, the complement: VPS13C is on the minus strand). VCF-style: chr15-61919283-T-C. GRCh37 (hg19) VCF-style: chr15-62211482-T-C.
Other names: c.7509+6A>G (NM_017684.5, NM_018080.4); c.7638+6A>G (NM_001018088.3).
Identifiers: ClinVar variation 2054887 (VCV002054887.4), dbSNP rs2043570577, ClinGen allele CA970565694.
Genomic context (GRCh38, chr15:61,919,283, plus strand): 5'-TTCAGCTAAATGATTTAACCATTTCTTGGTACACTGAAAGGGATACAATTAACTTTGAAG[T>C]ATTACCTGTAGAGGAGAGCGAAGGGTAATTACTTTATTCCCTTCAGTTGCATCAATTTGT-3'